The following is an entry in ClinVar:

NM_000170.3(GLDC):c.319A>G (p.Met107Val)

Gene: GLDC (glycine decarboxylase; minus strand). Cytogenetic location: 9p24.1.
Variant type: single nucleotide variant.
Coding change: c.319A>G on transcript NM_000170.3 (MANE Select); coding-DNA position 319, A replaced by G.
Protein change: p.Met107Val; replaces methionine 107 with valine.
Molecular consequence: missense variant.
Genome position (GRCh38, 1-based): chr9:6,644,629, T>C on the plus strand (A>G on the coding strand, the complement: GLDC is on the minus strand). VCF-style: chr9-6644629-T-C. GRCh37 (hg19) VCF-style: chr9-6644629-T-C.
Other names: p.Met107Val; short protein forms M107V.
Identifiers: ClinVar variation 255457 (VCV000255457.25), dbSNP rs138454333, ClinGen allele CA4981208.

ClinVar aggregate classification (germline): Conflicting classifications of pathogenicity. Review status: criteria provided, conflicting classifications (1 of 4 stars). 9 submissions from 9 submitters: Uncertain significance (1); Benign (6); Likely benign (1). 1 of the submissions does not count toward it. Last evaluated 2026-02-04.

Conditions:
Glycine encephalopathy. Also called: Nonketotic hyperglycinemia; Non-ketotic hyperglycinemia. Identifiers: Orphanet 407, MedGen C0751748, MONDO:0011612, HP:0008288.

Allele frequency attached by ClinVar (database versions not stated): ESP Exome Variant Server 0.00092; gnomAD exomes 0.00411; TOPMed 0.00678; gnomAD 0.00707 and 0.00739; 1000 Genomes Project 0.01577; 1000 Genomes Project 30x 0.01811.

Submissions (9):

Labcorp Genetics (formerly Invitae), Labcorp
Classification: Benign for Glycine encephalopathy. Last evaluated: 2026-02-04. Review status: criteria provided, single submitter. Criteria: Invitae Variant Classification Sherloc (09022015). Collection method: clinical testing. Allele origin: germline.

Dasa
Classification: Benign. Last evaluated: 2025-11-19. Review status: criteria provided, single submitter. Criteria: DASA Assertion Criteria. Collection method: clinical testing. Allele origin: germline.
Comment: NM_000170.3(GLDC):c.319A>G (p.Met107Val) is a missense variant that results in the substitution of methionine with valine. Population frequency is inconsistent with a disease-causing role for this variant, and observations in unaffected individuals support a benign interpretation. Therefore, based on the currently available evidence, this variant is classified as benign.

Mayo Clinic Laboratories, Mayo Clinic
Classification: Benign. Last evaluated: 2022-07-22. Review status: criteria provided, single submitter. Criteria: ACMG Guidelines, 2015. Collection method: clinical testing. Allele origin: germline. Observed: 12 variant alleles.
Comment: BA1

Women's Health and Genetics/Laboratory Corporation of America, LabCorp
Classification: Likely benign. Last evaluated: 2021-12-10. Review status: criteria provided, single submitter. Criteria: LabCorp Variant Classification Summary - May 2015. Collection method: clinical testing. Allele origin: germline.

Elsea Laboratory, Baylor College of Medicine
Classification: Uncertain significance for Glycine encephalopathy 1. Last evaluated: 2020-04-01. Review status: criteria provided, single submitter. Criteria: ACMG Guidelines, 2015. Collection method: clinical testing. Allele origin: germline. Affected: no.

GeneDx
Classification: Benign. Last evaluated: 2018-07-17. Review status: criteria provided, single submitter. Criteria: GeneDx Variant Classification Process June 2021. Collection method: clinical testing. Allele origin: germline. Affected: yes.
Comment: This variant is associated with the following publications: (PMID: 27243974)

Illumina Laboratory Services, Illumina
Classification: Benign for Glycine encephalopathy 1. Last evaluated: 2018-01-13. Review status: criteria provided, single submitter. Criteria: ICSL Variant Classification Criteria 13 December 2019. Collection method: clinical testing. Allele origin: germline.
Comment: This variant was observed in the ICSL laboratory as part of a predisposition screen in an ostensibly healthy population. It had not been previously curated by ICSL or reported in the Human Gene Mutation Database (HGMD: prior to June 1st, 2018), and was therefore a candidate for classification through an automated scoring system. Utilizing variant allele frequency, disease prevalence and penetrance estimates, and inheritance mode, an automated score was calculated to assess if this variant is too frequent to cause the disease. Based on the score and internal cut-off values, a variant classified as benign is not then subjected to further curation. The score for this variant resulted in a classification of benign for this disease.

PreventionGenetics, part of Exact Sciences
Classification: Benign. Review status: criteria provided, single submitter. Criteria: ACMG Guidelines, 2015. Collection method: clinical testing. Allele origin: germline.

Natera, Inc.
Classification: Benign for Non-ketotic hyperglycinemia. Last evaluated: 2020-09-16. Review status: no assertion criteria provided. Collection method: clinical testing. Allele origin: germline. Not counted in ClinVar's aggregate classification.

Literature cited by the submitters: PubMed 27243974 (cited by Mayo Clinic Laboratories, Mayo Clinic); PubMed 32421718 (cited by Mayo Clinic Laboratories, Mayo Clinic).